The following is an entry in ClinVar:

ClinVar aggregate classification (germline): Likely benign. Review status: criteria provided, multiple submitters, no conflicts (2 of 4 stars). 3 submissions from 3 submitters: Likely benign (3). Last evaluated 2026-01-27.

Conditions:
Supravalvar aortic stenosis (SVAS). Also called: Supravalvar aortic stenosis, Eisenberg type. Identifiers: Orphanet 3193, MedGen C0003499, MONDO:0008504, OMIM 185500, HP:0004381.

Allele frequency attached by ClinVar (database versions not stated): gnomAD exomes 0.00017 and 0.00037; TOPMed 0.00018; gnomAD 0.00029; ExAC 0.00052.
gnomAD v4.1: 288 of 1,580,596 alleles (0.018%); highest among the groups gnomAD compares: Non-Finnish European, 0.0073%; no homozygotes.

Submissions (3):

Labcorp Genetics (formerly Invitae), Labcorp
Classification: Likely benign for Supravalvar aortic stenosis. Last evaluated: 2026-01-27. Review status: criteria provided, single submitter. Criteria: Invitae Variant Classification Sherloc (09022015). Collection method: clinical testing. Allele origin: germline.

Blueprint Genetics
Classification: Likely benign. Last evaluated: 2024-09-11. Review status: criteria provided, single submitter. Criteria: ACMG Guidelines, 2015. Collection method: clinical testing. Allele origin: germline.

GeneDx
Classification: Likely benign. Last evaluated: 2018-03-14. Review status: criteria provided, single submitter. Criteria: GeneDx Variant Classification (06012015). Collection method: clinical testing. Allele origin: germline. Affected: yes.
Comment: This variant is considered likely benign or benign based on one or more of the following criteria: it is a conservative change, it occurs at a poorly conserved position in the protein, it is predicted to be benign by multiple in silico algorithms, and/or has population frequency not consistent with disease.

NM_000501.4(ELN):c.1747+109A>G

Genes: ELN (elastin; plus strand), ELN-AS1 (ELN antisense RNA 1; minus strand). Cytogenetic location: 7q11.23.
Variant type: single nucleotide variant.
Coding change: c.1747+109A>G on transcript NM_000501.4 (MANE Select); 109 bases into the intron after coding-DNA position 1747, A replaced by G.
Molecular consequence: intron variant.
Genome position (GRCh38, 1-based): chr7:74,060,610, A>G. VCF-style: chr7-74060610-A-G. GRCh37 (hg19) VCF-style: chr7-73474940-A-G.
Other names: c.1762+109A>G (NM_001081754.3); c.1705+109A>G (NM_001081753.3); c.1933+10A>G (NM_001278939.2); c.1765+109A>G (NM_001278915.2); c.1747+109A>G (NM_001278912.2); c.1690+109A>G (NM_001081755.3); c.1603+109A>G (NM_001278916.2); c.1504+109A>G (NM_001278913.2); and 4 more.
Identifiers: ClinVar variation 680362 (VCV000680362.10), dbSNP rs782414975, ClinGen allele CA4293197.